The following is an entry in ClinVar:

NM_015340.4(LARS2):c.1017A>G (p.Lys339=)

Gene: LARS2 (leucyl-tRNA synthetase 2, mitochondrial; plus strand). Cytogenetic location: 3p21.31.
Variant type: single nucleotide variant.
Coding change: c.1017A>G on transcript NM_015340.4 (MANE Select); coding-DNA position 1017, A replaced by G.
Protein change: p.Lys339=; no amino-acid change (lysine 339 retained).
Molecular consequence: synonymous variant.
Genome position (GRCh38, 1-based): chr3:45,476,626, A>G. VCF-style: chr3-45476626-A-G. GRCh37 (hg19) VCF-style: chr3-45518118-A-G.
Other names: c.1017A>G, p.Lys339= (NM_001368263.1); c.1017A>G (NM_015340.3).
Identifiers: ClinVar variation 2416520 (VCV002416520.7), dbSNP rs902422236, ClinGen allele CA73581526.
Genomic context (GRCh38, chr3:45,476,626, plus strand): 5'-ACTCCTACATGGGCACAGCTCTCTGAAGGAAGCCTTGAGGATGGCCCTTGTCCCTGGCAA[A>G]GGTGAGCTGGCAAGTTAACGGCTCAGGTGGTAGGATTGCTACCTTACATTTGGATGGCGC-3'
Protein context (NP_056155.1, residues 329-349): EALRMALVPG[Lys339=]DCLTPVMAVN

ClinVar aggregate classification (germline): Uncertain significance. Review status: criteria provided, multiple submitters, no conflicts (2 of 4 stars). 2 submissions from 2 submitters: Uncertain significance (2). Last evaluated 2026-08-17.

Allele frequency attached by ClinVar (database versions not stated): TOPMed below 0.00001; gnomAD exomes 0.00001.
gnomAD v4.1: 5 of 1,613,940 alleles (0.00031%); highest among the groups gnomAD compares: Admixed American, 0.0067%; no homozygotes.

Submissions (2):

GeneDx
Classification: Uncertain significance. Last evaluated: 2026-08-17. Review status: criteria provided, single submitter. Criteria: GeneDx Variant Classification Process June 2021. Collection method: clinical testing. Allele origin: germline.
Comment: Has not been previously published as pathogenic or benign to our knowledge; Not observed at significant frequency in large population cohorts (gnomAD); In silico analysis is inconclusive as to whether the variant alters gene splicing. In the absence of RNA/functional studies, the actual effect of this sequence change is unknown.

Labcorp Genetics (formerly Invitae), Labcorp
Classification: Uncertain significance. Last evaluated: 2022-01-12. Review status: criteria provided, single submitter. Criteria: Invitae Variant Classification Sherloc (09022015). Collection method: clinical testing. Allele origin: germline.
Comment: This sequence change affects codon 339 of the LARS2 mRNA. It is a 'silent' change, meaning that it does not change the encoded amino acid sequence of the LARS2 protein. It affects a nucleotide within the consensus splice site. This variant is present in population databases (no rsID available, gnomAD no frequency). This variant has not been reported in the literature in individuals affected with LARS2-related conditions. Algorithms developed to predict the effect of sequence changes on RNA splicing suggest that this variant may disrupt the consensus splice site. In summary, the available evidence is currently insufficient to determine the role of this variant in disease. Therefore, it has been classified as a Variant of Uncertain Significance.